The following is an entry in ClinVar:

NM_006231.4(POLE):c.63-5C>T

Gene: POLE (DNA polymerase epsilon, catalytic subunit; minus strand). Cytogenetic location: 12q24.33.
Variant type: single nucleotide variant.
Coding change: c.63-5C>T on transcript NM_006231.4 (MANE Select); 5 bases into the intron before coding-DNA position 63, C replaced by T.
Molecular consequence: intron variant.
Genome position (GRCh38, 1-based): chr12:132,681,284, G>A on the plus strand (C>T on the coding strand, the complement: POLE is on the minus strand). VCF-style: chr12-132681284-G-A. GRCh37 (hg19) VCF-style: chr12-133257870-G-A.
Identifiers: ClinVar variation 826346 (VCV000826346.7), dbSNP rs1593088395, ClinGen allele CA915946782.

ClinVar aggregate classification (germline): Conflicting classifications of pathogenicity. Review status: criteria provided, conflicting classifications (1 of 4 stars). 2 submissions from 2 submitters: Uncertain significance (1); Likely benign (1). Last evaluated 2023-05-10.

Conditions:
Hereditary cancer-predisposing syndrome. Also called: Neoplastic Syndromes, Hereditary; Tumor predisposition; Hereditary neoplastic syndrome; Hereditary Cancer Syndrome. Identifiers: Orphanet 140162, MedGen C0027672, MeSH D009386, MONDO:0015356.

Submissions (2):

Labcorp Genetics (formerly Invitae), Labcorp
Classification: Likely benign. Last evaluated: 2023-05-10. Review status: criteria provided, single submitter. Criteria: Invitae Variant Classification Sherloc (09022015). Collection method: clinical testing. Allele origin: germline.

Ambry Genetics
Classification: Uncertain significance for Hereditary cancer-predisposing syndrome. Last evaluated: 2019-02-08. Review status: criteria provided, single submitter. Criteria: Ambry Variant Classification Scheme 2023. Collection method: clinical testing. Allele origin: germline.
Comment: The c.63-5C>T intronic variant results from a C to T substitution 5 nucleotides upstream from coding exon 2 in the POLE gene. This nucleotide position is not well conserved in available vertebrate species. Using the BDGP and ESEfinder splice site prediction tools, this alteration is not predicted to have any significant effect on this splice acceptor site; however, direct evidence is unavailable. Since supporting evidence is limited at this time, the clinical significance of this alteration remains unclear.